The following is an entry in ClinVar:

ClinVar aggregate classification (germline): Conflicting classifications of pathogenicity. Review status: criteria provided, conflicting classifications (1 of 4 stars). 7 submissions from 7 submitters: Uncertain significance (5); Likely benign (1). 1 of the submissions does not count toward it. Last evaluated 2025-12-17.

Conditions:
PMS2-related disorder. Also called: PMS2-related condition.
Hereditary nonpolyposis colorectal neoplasms. Identifiers: MedGen C0009405, MeSH D003123.
Breast and/or ovarian cancer. Identifiers: MedGen CN221562.
Hereditary cancer-predisposing syndrome. Also called: Hereditary Cancer Syndrome; Hereditary neoplastic syndrome; Neoplastic Syndromes, Hereditary; Tumor predisposition. Identifiers: Orphanet 140162, MedGen C0027672, MeSH D009386, MONDO:0015356.

Allele frequency attached by ClinVar (database versions not stated): ExAC 0.00001; gnomAD 0.00001; gnomAD exomes 0.00001; TOPMed 0.00001; 1000 Genomes Project 30x 0.00016; 1000 Genomes Project 0.00020.
gnomAD v4.1: 8 of 1,611,904 alleles (0.0005%); highest among the groups gnomAD compares: African/African-American, 0.0027%; no homozygotes.

Submissions (7):

Labcorp Genetics (formerly Invitae), Labcorp
Classification: Uncertain significance for Hereditary nonpolyposis colorectal neoplasms. Last evaluated: 2025-12-17. Review status: criteria provided, single submitter. Criteria: Invitae Variant Classification Sherloc (09022015). Collection method: clinical testing. Allele origin: germline.
Comment: This sequence change replaces valine, which is neutral and non-polar, with isoleucine, which is neutral and non-polar, at codon 397 of the PMS2 protein (p.Val397Ile). This variant is present in population databases (rs573123885, gnomAD 0.007%). This variant has not been reported in the literature in individuals affected with PMS2-related conditions. ClinVar contains an entry for this variant (Variation ID: 455643). Invitae Evidence Modeling incorporating data from in vitro experimental studies (internal data) indicates that this missense variant is not expected to disrupt PMS2 function with a negative predictive value of 95%. In summary, the available evidence is currently insufficient to determine the role of this variant in disease. Therefore, it has been classified as a Variant of Uncertain Significance.

Quest Diagnostics Nichols Institute San Juan Capistrano
Classification: Uncertain significance. Last evaluated: 2025-03-03. Review status: criteria provided, single submitter. Criteria: Quest Diagnostics criteria. Collection method: clinical testing. Allele origin: unknown.
Comment: The PMS2 c.1189G>A (p.Val397Ile) variant has been reported in an individual with breast cancer in a case-control study (PMID: 33471991 (2021), see LOVD). The frequency of this variant in the general population (Genome Aggregation Database) is uninformative in the assessment of its pathogenicity. Analysis of this variant using bioinformatics tools for the prediction of the effect of amino acid changes on protein structure and function yielded predictions that this variant is benign. Based on the available information, we are unable to determine the clinical significance of this variant.

GeneDx
Classification: Uncertain significance. Last evaluated: 2024-04-23. Review status: criteria provided, single submitter. Criteria: GeneDx Variant Classification Process June 2021. Collection method: clinical testing. Allele origin: germline. Affected: yes.
Comment: In silico analysis indicates that this missense variant does not alter protein structure/function; Observed in individual(s) with breast cancer (PMID: 33471991); This variant is associated with the following publications: (PMID: 33471991)

Ambry Genetics
Classification: Likely benign for Hereditary cancer-predisposing syndrome. Last evaluated: 2023-11-14. Review status: criteria provided, single submitter. Criteria: Ambry Variant Classification Scheme 2023. Collection method: clinical testing. Allele origin: germline.

Color Diagnostics, LLC DBA Color Health
Classification: Uncertain significance for Hereditary cancer-predisposing syndrome. Last evaluated: 2023-11-06. Review status: criteria provided, single submitter. Criteria: ACMG Guidelines, 2015. Collection method: clinical testing. Allele origin: germline.
Comment: This missense variant replaces valine with isoleucine at codon 397 of the PMS2 protein. Computational prediction suggests that this variant may not impact protein structure and function (internally defined REVEL score threshold <= 0.5, PMID: 27666373). To our knowledge, functional studies have not been reported for this variant. In a large breast cancer case-control study, this variant has been reported in 1/60466 cases and 0/53461 unaffected controls (PMID: 33471991). This variant has been identified in 2/248372 chromosomes in the general population by the Genome Aggregation Database (gnomAD). The available evidence is insufficient to determine the role of this variant in disease conclusively. Therefore, this variant is classified as a Variant of Uncertain Significance.

CHEO Genetics Diagnostic Laboratory, Children's Hospital of Eastern Ontario
Classification: Uncertain significance for Breast and/or ovarian cancer. Last evaluated: 2019-06-06. Review status: criteria provided, single submitter. Criteria: ACMG Guidelines, 2015. Collection method: clinical testing. Allele origin: germline.

PreventionGenetics, part of Exact Sciences
Classification: Uncertain significance for PMS2-related condition. Last evaluated: 2024-01-17. Review status: no assertion criteria provided. Collection method: clinical testing. Allele origin: germline. Not counted in ClinVar's aggregate classification.
Comment: The PMS2 c.1189G>A variant is predicted to result in the amino acid substitution p.Val397Ile. To our knowledge, this variant has not been reported in the literature. This variant is reported in 0.0068% of alleles in individuals of African descent in gnomAD. At this time, the clinical significance of this variant is uncertain due to the absence of conclusive functional and genetic evidence.

Literature cited by the submitters: PubMed 33471991 (cited by Quest Diagnostics Nichols Institute San Juan Capistrano and Color Diagnostics, LLC DBA Color Health).

NM_000535.7(PMS2):c.1189G>A (p.Val397Ile)

Gene: PMS2 (PMS1 homolog 2, mismatch repair system component; minus strand). Cytogenetic location: 7p22.1.
Variant type: single nucleotide variant.
Coding change: c.1189G>A on transcript NM_000535.7 (MANE Select); coding-DNA position 1189, G replaced by A.
Protein change: p.Val397Ile; replaces valine 397 with isoleucine.
Molecular consequence: missense variant. On other transcripts: non-coding transcript variant (1).
Genome position (GRCh38, 1-based): chr7:5,987,576, C>T on the plus strand (G>A on the coding strand, the complement: PMS2 is on the minus strand). VCF-style: chr7-5987576-C-T. GRCh37 (hg19) VCF-style: chr7-6027207-C-T.
Other names: c.784G>A, p.Val262Ile (NM_001322003.2, NM_001322004.2, NM_001322005.2 and 1 more transcripts); c.1033G>A, p.Val345Ile (NM_001322006.2); c.871G>A, p.Val291Ile (NM_001322007.2, NM_001322008.2); c.628G>A, p.Val210Ile (NM_001322010.2); c.256G>A, p.Val86Ile (NM_001322011.2, NM_001322012.2); c.616G>A, p.Val206Ile (NM_001322013.2); c.1189G>A, p.Val397Ile (NM_001322014.2); c.880G>A, p.Val294Ile (NM_001322015.2); short protein forms V397I, V294I, V86I, V262I, V345I, V206I, V210I, V291I.
Identifiers: ClinVar variation 455643 (VCV000455643.26), dbSNP rs573123885, ClinGen allele CA042463.